The following is an entry in ClinVar:

NM_007294.4(BRCA1):c.4848del (p.Ala1617fs)

Gene: BRCA1 (BRCA1 DNA repair associated; minus strand). Cytogenetic location: 17q21.31.
Variant type: Deletion.
Coding change: c.4848del on transcript NM_007294.4 (MANE Select); coding-DNA position 4848, one base deleted (T; older notation c.4848delT).
Protein change: p.Ala1617fs; shifts the reading frame from alanine 1617.
Molecular consequence: frameshift variant. On other transcripts: intron variant (1).
Genome position (GRCh38, 1-based): chr17:43,071,066, A deleted on the plus strand (T on the coding strand, the reverse complement: BRCA1 is on the minus strand). VCF-style (leftmost placement, unchanged base first): chr17-43071065-CA-C. GRCh37 (hg19) VCF-style: chr17-41223082-CA-C.
Other names: c.4914del, p.Ala1639fs (NM_001407582.1, NM_001407581.1); c.4911del, p.Ala1638fs (NM_001407583.1, NM_001407585.1, NM_001407587.1 and 1 more transcripts); c.4908del, p.Ala1637fs (NM_001407590.1, NM_001407591.1); c.4848del, p.Ala1617fs (NM_001407593.1, NM_001407594.1, NM_001407596.1 and 8 more transcripts); c.4845del, p.Ala1616fs (NM_001407610.1, NM_001407611.1, NM_001407612.1 and 17 more transcripts); c.4842del, p.Ala1615fs (NM_001407627.1, NM_001407628.1, NM_001407629.1 and 14 more transcripts); c.4839del, p.Ala1614fs (NM_001407644.1, NM_001407645.1); c.4836del, p.Ala1613fs (NM_001407646.1); and 71 more; short protein forms A1320fs, A1321fs, A1448fs, A1463fs, A1488fs, A1489fs, A1490fs, A1504fs.
Identifiers: ClinVar variation 3904707 (VCV003904707.1).

ClinVar aggregate classification (germline): Pathogenic (1 of 4 stars; one submission).

Conditions:
Breast-ovarian cancer, familial, susceptibility to, 1 (BROVCA1). Also called: BRCA1 Hereditary Breast and Ovarian Cancer; OVARIAN CANCER, SUSCEPTIBILITY TO. Identifiers: Orphanet 145, MedGen C2676676, MONDO:0011450, OMIM 604370. Disease mechanism: loss of function.

Submission:

Myriad Genetics, Inc.
Classification: Pathogenic for Breast-ovarian cancer, familial, susceptibility to, 1. Last evaluated: 2025-01-22. Review status: criteria provided, single submitter. Criteria: Myriad Autosomal Dominant, Autosomal Recessive and X-Linked Classification Criteria (2023). Collection method: clinical testing. Allele origin: unknown.
Comment: This variant is considered pathogenic. This variant creates a frameshift predicted to result in premature protein truncation.